The following is an entry in ClinVar:

NM_033380.3(COL4A5):c.2687G>T (p.Gly896Val)

Gene: COL4A5 (collagen type IV alpha 5 chain; plus strand). Cytogenetic location: Xq22.3.
Variant type: single nucleotide variant.
Coding change: c.2687G>T on transcript NM_033380.3 (MANE Select); coding-DNA position 2687, G replaced by T.
Protein change: p.Gly896Val; replaces glycine 896 with valine.
Molecular consequence: missense variant.
Genome position (GRCh38, 1-based): chrX:108,621,812, G>T. VCF-style: chrX-108621812-G-T. GRCh37 (hg19) VCF-style: chrX-107865042-G-T.
Other names: c.2687G>T, p.Gly896Val (NM_000495.5); c.2687G>T (NM_000495.4); short protein forms G896V.
Identifiers: ClinVar variation 2816516 (VCV002816516.4), dbSNP rs2524403534, ClinGen allele CA413851882.

ClinVar aggregate classification (germline): Pathogenic. Review status: criteria provided, single submitter (1 of 4 stars). 2 submissions from 2 submitters: Pathogenic (1). 1 of the submissions does not count toward it. Last evaluated 2022-11-24.

Conditions:
COL4A5-related disorder. Also called: COL4A5-related condition.

Submissions (2):

Labcorp Genetics (formerly Invitae), Labcorp
Classification: Pathogenic. Last evaluated: 2022-11-24. Review status: criteria provided, single submitter. Criteria: Invitae Variant Classification Sherloc (09022015). Collection method: clinical testing. Allele origin: germline.
Comment: This sequence change replaces glycine, which is neutral and non-polar, with valine, which is neutral and non-polar, at codon 896 of the COL4A5 protein (p.Gly896Val). For these reasons, this variant has been classified as Pathogenic. This variant disrupts the p.Gly896 amino acid residue in COL4A5. Other variant(s) that disrupt this residue have been observed in individuals with COL4A5-related conditions (PMID: 28844315, 29098738, 33128955), which suggests that this may be a clinically significant amino acid residue. This variant disrupts the triple helix domain of COL4A5. Glycine residues within the Gly-Xaa-Yaa repeats of the triple helix domain are required for the structure and stability of fibrillar collagens (PMID: 7695699, 8218237, 19344236). In COL4A5, missense variants at these glycine residues are significantly enriched in individuals with disease (PMID: 23720012, 27627812) compared to the general population (ExAC). Advanced modeling of protein sequence and biophysical properties (such as structural, functional, and spatial information, amino acid conservation, physicochemical variation, residue mobility, and thermodynamic stability) performed at Invitae indicates that this missense variant is expected to disrupt COL4A5 protein function. This missense change has been observed in individual(s) with Alport syndrome (Invitae). This variant is not present in population databases (gnomAD no frequency).

PreventionGenetics, part of Exact Sciences
Classification: Likely pathogenic for COL4A5-related condition. Last evaluated: 2024-03-23. Review status: no assertion criteria provided. Collection method: clinical testing. Allele origin: germline. Not counted in ClinVar's aggregate classification.
Comment: The COL4A5 c.2687G>T variant is predicted to result in the amino acid substitution p.Gly896Val. The p.Gly896 residue is located in the triple-helical region (residues 42 – 1456) of the COL4A5 protein. The majority of pathogenic variants in COL4A5 substitute a glycine residue to a bulkier amino acid in the triple-helical domain (Hudson et al. 1993. PubMed ID: 8253711). Other amino acid substitutions at this same position (p.Gly896Cys, p.Gly896Ser) have been reported in individuals with Alport syndrome (Mallett et al 2017. PubMed ID: 28844315; Daga et al 2018. PubMed ID: 29098738). To our knowledge, this variant has not been reported in the literature or in a large population database, indicating this variant is rare. This variant is interpreted as likely pathogenic.

Literature cited by the submitters: PubMed 28844315 (cited by Labcorp Genetics (formerly Invitae), Labcorp); PubMed 29098738 (cited by Labcorp Genetics (formerly Invitae), Labcorp); PubMed 33128955 (cited by Labcorp Genetics (formerly Invitae), Labcorp); PubMed 7695699 (cited by Labcorp Genetics (formerly Invitae), Labcorp); PubMed 8218237 (cited by Labcorp Genetics (formerly Invitae), Labcorp); PubMed 19344236 (cited by Labcorp Genetics (formerly Invitae), Labcorp); PubMed 23720012 (cited by Labcorp Genetics (formerly Invitae), Labcorp); PubMed 27627812 (cited by Labcorp Genetics (formerly Invitae), Labcorp).